The following is an entry in ClinVar:

ClinVar aggregate classification (germline): Likely pathogenic (1 of 4 stars; one submission).

Conditions:
Niemann-Pick disease, type C1. Also called: NIEMANN-PICK DISEASE, VARIANT TYPE C1; NEUROVISCERAL STORAGE DISEASE WITH VERTICAL SUPRANUCLEAR OPHTHALMOPLEGIA; NIEMANN-PICK DISEASE WITH CHOLESTEROL ESTERIFICATION BLOCK; NIEMANN-PICK DISEASE WITHOUT SPHINGOMYELINASE DEFICIENCY; NIEMANN-PICK DISEASE, CHRONIC NEURONOPATHIC FORM. Identifiers: Orphanet 646, MedGen C3179455, MONDO:0009757, OMIM 257220.

Allele frequency attached by ClinVar (database versions not stated): gnomAD exomes below 0.00001; gnomAD 0.00001; TOPMed 0.00001.
gnomAD v4.1: 5 of 1,613,990 alleles (0.00031%); highest among the groups gnomAD compares: African/African-American, 0.004%; no homozygotes.

Submission:

Labcorp Genetics (formerly Invitae), Labcorp
Classification: Likely pathogenic for Niemann-Pick disease, type C1. Last evaluated: 2025-03-01. Review status: criteria provided, single submitter. Criteria: Invitae Variant Classification Sherloc (09022015). Collection method: clinical testing. Allele origin: germline.
Comment: This sequence change replaces alanine, which is neutral and non-polar, with valine, which is neutral and non-polar, at codon 1174 of the NPC1 protein (p.Ala1174Val). This variant is present in population databases (rs780175800, gnomAD 0.01%). This missense change has been observed in individual(s) with Niemann-Pick type C (PMID: 16126423). ClinVar contains an entry for this variant (Variation ID: 1465957). Invitae Evidence Modeling of protein sequence and biophysical properties (such as structural, functional, and spatial information, amino acid conservation, physicochemical variation, residue mobility, and thermodynamic stability) indicates that this missense variant is expected to disrupt NPC1 protein function with a positive predictive value of 95%. In summary, the currently available evidence indicates that the variant is pathogenic, but additional data are needed to prove that conclusively. Therefore, this variant has been classified as Likely Pathogenic.

Literature cited by the submitters: PubMed 16126423.

NM_000271.5(NPC1):c.3521C>T (p.Ala1174Val)

Gene: NPC1 (NPC intracellular cholesterol transporter 1; minus strand). Cytogenetic location: 18q11.2.
Variant type: single nucleotide variant.
Coding change: c.3521C>T on transcript NM_000271.5 (MANE Select); coding-DNA position 3521, C replaced by T.
Protein change: p.Ala1174Val; replaces alanine 1174 with valine.
Molecular consequence: missense variant.
Genome position (GRCh38, 1-based): chr18:23,534,516, G>A on the plus strand (C>T on the coding strand, the complement: NPC1 is on the minus strand). VCF-style: chr18-23534516-G-A. GRCh37 (hg19) VCF-style: chr18-21114480-G-A.
Other names: short protein forms A1174V.
Identifiers: ClinVar variation 1465957 (VCV001465957.8), dbSNP rs780175800, ClinGen allele CA297078678.